The following is an entry in ClinVar:

ClinVar aggregate classification (germline): Pathogenic (1 of 4 stars; one submission).

Allele frequency attached by ClinVar (database versions not stated): gnomAD exomes 0.00001; ExAC 0.00002.
gnomAD v4.1: 7 of 1,614,114 alleles (0.00043%); highest among the groups gnomAD compares: African/African-American, 0.0013%; no homozygotes.

Submission:

Labcorp Genetics (formerly Invitae), Labcorp
Classification: Pathogenic. Last evaluated: 2022-11-15. Review status: criteria provided, single submitter. Criteria: Invitae Variant Classification Sherloc (09022015). Collection method: clinical testing. Allele origin: germline.
Comment: For these reasons, this variant has been classified as Pathogenic. ClinVar contains an entry for this variant (Variation ID: 1419416). This variant has not been reported in the literature in individuals affected with ADAMTS18-related conditions. This variant is present in population databases (rs747773771, gnomAD 0.007%). This sequence change creates a premature translational stop signal (p.Arg792*) in the ADAMTS18 gene. It is expected to result in an absent or disrupted protein product. Loss-of-function variants in ADAMTS18 are known to be pathogenic (PMID: 23818446, 24874986).

Literature cited by the submitters: PubMed 23818446; PubMed 24874986.

NM_199355.4(ADAMTS18):c.2374C>T (p.Arg792Ter)

Gene: ADAMTS18 (ADAM metallopeptidase with thrombospondin type 1 motif 18; minus strand). Cytogenetic location: 16q23.1.
Variant type: single nucleotide variant.
Coding change: c.2374C>T on transcript NM_199355.4 (MANE Select); coding-DNA position 2374, C replaced by T.
Protein change: p.Arg792Ter; replaces arginine 792 with a stop codon.
Molecular consequence: nonsense.
Genome position (GRCh38, 1-based): chr16:77,320,007, G>A on the plus strand (C>T on the coding strand, the complement: ADAMTS18 is on the minus strand). VCF-style: chr16-77320007-G-A. GRCh37 (hg19) VCF-style: chr16-77353904-G-A.
Other names: c.1858C>T, p.Arg620Ter (NM_001326358.2); short protein forms R620*, R792*.
Identifiers: ClinVar variation 1419416 (VCV001419416.6), dbSNP rs747773771, ClinGen allele CA8180931.
Genomic context (GRCh38, chr16:77,320,007, plus strand): 5'-ACTCCCCAGGCCAGTCGATGCTCCAGCCCCCGGTGAGGTAATACTTTTGACTGAGGCTTC[G>A]AACTGCGAGGTAACTGGAGGAAACCTGCAGCTCCTGGATTTCGATGCTTCGGGCGCCAGC-3'